The following is an entry in ClinVar:

ClinVar aggregate classification (germline): Likely pathogenic (1 of 4 stars; one submission).

Conditions:
Isovaleryl-CoA dehydrogenase deficiency (IVA). Also called: ISOVALERIC ACID CoA DEHYDROGENASE DEFICIENCY; Isovaleric acidemia; IVD DEFICIENCY; Classic Isovaleric Acidemia. Identifiers: Orphanet 33, MedGen C0268575, MONDO:0009475, OMIM 243500.

Allele frequency attached by ClinVar (database versions not stated): TOPMed below 0.00001.

Submission:

Labcorp Genetics (formerly Invitae), Labcorp
Classification: Likely pathogenic for Isovaleryl-CoA dehydrogenase deficiency. Last evaluated: 2023-10-22. Review status: criteria provided, single submitter. Criteria: Invitae Variant Classification Sherloc (09022015). Collection method: clinical testing. Allele origin: germline.
Comment: This sequence change replaces glycine, which is neutral and non-polar, with glutamic acid, which is acidic and polar, at codon 123 of the IVD protein (p.Gly123Glu). This variant is not present in population databases (gnomAD no frequency). This missense change has been observed in individual(s) with isovaleric acidemia (PMID: 15486829, 35846131). In at least one individual the data is consistent with being in trans (on the opposite chromosome) from a pathogenic variant. This variant is also known as c.359G>A (p.G91E) or c.359G>A (p.G120E). An algorithm developed to predict the effect of missense changes on protein structure and function (PolyPhen-2) suggests that this variant is likely to be disruptive. This variant disrupts the p.Gly123 amino acid residue in IVD. Other variant(s) that disrupt this residue have been determined to be pathogenic (PMID: 22004070, 22350545, 27904153; Invitae). This suggests that this residue is clinically significant, and that variants that disrupt this residue are likely to be disease-causing. In summary, the currently available evidence indicates that the variant is pathogenic, but additional data are needed to prove that conclusively. Therefore, this variant has been classified as Likely Pathogenic.

Literature cited by the submitters: PubMed 15486829; PubMed 35846131; PubMed 22004070; PubMed 22350545; PubMed 27904153.

NM_002225.5(IVD):c.359G>A (p.Gly120Glu)

Gene: IVD (isovaleryl-CoA dehydrogenase; plus strand). Cytogenetic location: 15q15.1.
Variant type: single nucleotide variant.
Coding change: c.359G>A on transcript NM_002225.5 (MANE Select); coding-DNA position 359, G replaced by A.
Protein change: p.Gly120Glu; replaces glycine 120 with glutamic acid.
Molecular consequence: missense variant. On other transcripts: non-coding transcript variant (1).
Genome position (GRCh38, 1-based): chr15:40,410,700, G>A. VCF-style: chr15-40410700-G-A. GRCh37 (hg19) VCF-style: chr15-40702899-G-A.
Other names: c.269G>A, p.Gly90Glu (NM_001159508.3); c.311G>A, p.Gly104Glu (NM_001354597.3); c.359G>A, p.Gly120Glu (NM_001354598.3, NM_001354601.3); c.446G>A, p.Gly149Glu (NM_001354599.3, NM_001354600.3); short protein forms G120E, G104E, G149E, G90E.
Identifiers: ClinVar variation 2736174 (VCV002736174.3), dbSNP rs1890974853, ClinGen allele CA391716430.
Genomic context (GRCh38, chr15:40,410,700, plus strand): 5'-GCTCCGGCCTGGGCTACCTGGAGCATGTGCTGGTGATGGAGGAGATATCCCGAGCTTCCG[G>A]AGCAGTGGGGCTCAGTTACGGTGCCCACTCCAACCTCTGCATCAACCAGCTTGTACGCAA-3'
Protein context (NP_002216.3, residues 110-130): LVMEEISRAS[Gly120Glu]AVGLSYGAHS